The following is an entry in ClinVar:

ClinVar aggregate classification (germline): Uncertain significance (1 of 4 stars; one submission).

Submission:

Labcorp Genetics (formerly Invitae), Labcorp
Classification: Uncertain significance. Last evaluated: 2025-04-28. Review status: criteria provided, single submitter. Criteria: Invitae Variant Classification Sherloc (09022015). Collection method: clinical testing. Allele origin: germline.
Comment: This sequence change falls in intron 9 of the SAMD11 gene. It does not directly change the encoded amino acid sequence of the SAMD11 protein. It affects a nucleotide within the consensus splice site. This variant is not present in population databases (gnomAD no frequency). This variant has not been reported in the literature in individuals affected with SAMD11-related conditions. ClinVar contains an entry for this variant (Variation ID: 2125101). Variants that disrupt the consensus splice site are a relatively common cause of aberrant splicing (PMID: 17576681, 9536098). Algorithms developed to predict the effect of sequence changes on RNA splicing suggest that this variant may disrupt the consensus splice site. In summary, the available evidence is currently insufficient to determine the role of this variant in disease. Therefore, it has been classified as a Variant of Uncertain Significance.

Literature cited by the submitters: PubMed 17576681; PubMed 9536098.

NM_001385641.1(SAMD11):c.1474+5G>C

Gene: SAMD11 (sterile alpha motif domain containing 11; plus strand). Cytogenetic location: 1p36.33.
Variant type: single nucleotide variant.
Coding change: c.1474+5G>C on transcript NM_001385641.1 (MANE Select); 5 bases into the intron after coding-DNA position 1474, G replaced by C.
Molecular consequence: intron variant.
Genome position (GRCh38, 1-based): chr1:942,256, G>C. VCF-style: chr1-942256-G-C. GRCh37 (hg19) VCF-style: chr1-877636-G-C.
Other names: c.1477+5G>C (NM_001385640.1); c.985+5G>C (NM_152486.4).
Identifiers: ClinVar variation 2125101 (VCV002125101.4), dbSNP rs1269353250, ClinGen allele CA2580062491.